The following is an entry in ClinVar:

NM_001903.5(CTNNA1):c.1210T>C (p.Leu404=)

Gene: CTNNA1 (catenin alpha 1; plus strand). Cytogenetic location: 5q31.2.
Variant type: single nucleotide variant.
Coding change: c.1210T>C on transcript NM_001903.5 (MANE Select); coding-DNA position 1210, T replaced by C.
Protein change: p.Leu404=; no amino-acid change (leucine 404 retained).
Molecular consequence: synonymous variant. On other transcripts: 5 prime UTR variant (5), intron variant (2).
Genome position (GRCh38, 1-based): chr5:138,887,556, T>C. VCF-style: chr5-138887556-T-C. GRCh37 (hg19) VCF-style: chr5-138223245-T-C.
Other names: c.1210T>C, p.Leu404= (NM_001290307.3, NM_001323982.2, NM_001323983.1 and 3 more transcripts); c.901T>C, p.Leu301= (NM_001290309.3); c.841T>C, p.Leu281= (NM_001290310.3); c.100T>C, p.Leu34= (NM_001290312.1, NM_001323987.1, NM_001323988.1 and 18 more transcripts); c.-298T>C (NM_001324006.1, NM_001324007.1, NM_001324008.1 and 1 more transcripts); c.-173T>C (NM_001324013.1); c.-58+11959T>C (NM_001324012.1); c.-61+11959T>C (NM_001324010.1).
Identifiers: ClinVar variation 3773462 (VCV003773462.1).
Genomic context (GRCh38, chr5:138,887,556, plus strand): 5'-AAAGCTGTCATGGACCACGTTTCAGATTCTTTCCTGGAAACCAATGTTCCACTTTTGGTA[T>C]TGATTGAAGCTGCAAAGAATGGAAATGAGAAAGAAGTTAAGGAGTATGCCCAAGTTTTCC-3'
Protein context (NP_001894.2, residues 394-414): FLETNVPLLV[Leu404=]IEAAKNGNEK

ClinVar aggregate classification (germline): Benign (1 of 4 stars; one submission).

Conditions:
Hereditary diffuse gastric adenocarcinoma (HDGC). Also called: DIFFUSE GASTRIC AND LOBULAR BREAST CANCER SYNDROME. Identifiers: Orphanet 26106, MedGen C1708349, MONDO:0007648, OMIM 137215.

Submission:

Myriad Genetics, Inc.
Classification: Benign for Hereditary diffuse gastric adenocarcinoma. Last evaluated: 2024-10-11. Review status: criteria provided, single submitter. Criteria: Myriad Autosomal Dominant, Autosomal Recessive and X-Linked Classification Criteria (2023). Collection method: clinical testing. Allele origin: unknown.
Comment: This variant is considered benign. This variant is a silent/synonymous amino acid change and it is not expected to impact splicing.